The following is an entry in ClinVar:

ClinVar aggregate classification (germline): Uncertain significance (1 of 4 stars; one submission).

Submission:

Labcorp Genetics (formerly Invitae), Labcorp
Classification: Uncertain significance. Last evaluated: 2025-11-22. Review status: criteria provided, single submitter. Criteria: Invitae Variant Classification Sherloc (09022015). Collection method: clinical testing. Allele origin: germline.
Comment: This sequence change replaces alanine, which is neutral and non-polar, with threonine, which is neutral and polar, at codon 851 of the DSTYK protein (p.Ala851Thr). This variant is not present in population databases (gnomAD no frequency). This variant has not been reported in the literature in individuals affected with DSTYK-related conditions. An algorithm developed to predict the effect of missense changes on protein structure and function (PolyPhen-2) suggests that this variant is likely to be disruptive. In summary, the available evidence is currently insufficient to determine the role of this variant in disease. Therefore, it has been classified as a Variant of Uncertain Significance.

NM_015375.3(DSTYK):c.2551G>A (p.Ala851Thr)

Gene: DSTYK (dual serine/threonine and tyrosine protein kinase; minus strand). Cytogenetic location: 1q32.1.
Variant type: single nucleotide variant.
Coding change: c.2551G>A on transcript NM_015375.3 (MANE Select); coding-DNA position 2551, G replaced by A.
Protein change: p.Ala851Thr; replaces alanine 851 with threonine.
Molecular consequence: missense variant. On other transcripts: intron variant (1).
Genome position (GRCh38, 1-based): chr1:205,148,256, C>T on the plus strand (G>A on the coding strand, the complement: DSTYK is on the minus strand). VCF-style: chr1-205148256-C-T. GRCh37 (hg19) VCF-style: chr1-205117384-C-T.
Other names: c.2468-511G>A (NM_199462.3); short protein forms A851T.
Identifiers: ClinVar variation 4780343 (VCV004780343.1).